The following is an entry in ClinVar:

ClinVar aggregate classification (germline): Likely pathogenic (1 of 4 stars; one submission).

Submission:

Labcorp Genetics (formerly Invitae), Labcorp
Classification: Likely pathogenic. Last evaluated: 2023-08-28. Review status: criteria provided, single submitter. Criteria: Invitae Variant Classification Sherloc (09022015). Collection method: clinical testing. Allele origin: germline.
Comment: Advanced modeling of protein sequence and biophysical properties (such as structural, functional, and spatial information, amino acid conservation, physicochemical variation, residue mobility, and thermodynamic stability) performed at Invitae indicates that this missense variant is expected to disrupt RS1 protein function. ClinVar contains an entry for this variant (Variation ID: 1067041). This missense change has been observed in individual(s) with clinical features of retinoschisis (Invitae). This variant is not present in population databases (gnomAD no frequency). This sequence change replaces arginine, which is basic and polar, with leucine, which is neutral and non-polar, at codon 213 of the RS1 protein (p.Arg213Leu). This variant disrupts the p.Arg213 amino acid residue in RS1. Other variant(s) that disrupt this residue have been determined to be pathogenic (PMID: 9618178, 12417531, 20061330, 20806044, 20809529). This suggests that this residue is clinically significant, and that variants that disrupt this residue are likely to be disease-causing. In summary, the currently available evidence indicates that the variant is pathogenic, but additional data are needed to prove that conclusively. Therefore, this variant has been classified as Likely Pathogenic.

Literature cited by the submitters: PubMed 9618178; PubMed 12417531; PubMed 20061330; PubMed 20806044; PubMed 20809529.

NM_000330.4(RS1):c.638G>T (p.Arg213Leu)

Genes: CDKL5 (cyclin dependent kinase like 5; plus strand), RS1 (retinoschisin 1; minus strand). Cytogenetic location: Xp22.13.
Variant type: single nucleotide variant.
Coding change: c.638G>T on transcript NM_000330.4 (MANE Select); coding-DNA position 638, G replaced by T.
Protein change: p.Arg213Leu; replaces arginine 213 with leucine.
Molecular consequence: missense variant. On other transcripts: intron variant (2).
Genome position (GRCh38, 1-based): chrX:18,642,041, C>A on the plus strand (G>T on the coding strand, the complement: RS1 is on the minus strand). VCF-style: chrX-18642041-C-A. GRCh37 (hg19) VCF-style: chrX-18660161-C-A.
Other names: c.2714-3966C>A (NM_003159.3, NM_001037343.2); short protein forms R213L.
Identifiers: ClinVar variation 1067041 (VCV001067041.7), dbSNP rs281865364, ClinGen allele CA412370146.